The following is an entry in ClinVar:

ClinVar aggregate classification (germline): Benign (0 of 4 stars; one submission).

Conditions:
GIGYF1-related disorder. Also called: GIGYF1-related condition.

Allele frequency attached by ClinVar (database versions not stated): 1000 Genomes Project 0.00899; 1000 Genomes Project 30x 0.00984; ESP Exome Variant Server 0.01107.
gnomAD v4.1: 2,588 of 1,589,766 alleles (0.16%); highest among the groups gnomAD compares: African/African-American, 3.1%; 38 homozygotes.

Submission:

PreventionGenetics, part of Exact Sciences
Classification: Benign for GIGYF1-related condition. Last evaluated: 2022-12-29. Review status: no assertion criteria provided. Collection method: clinical testing. Allele origin: germline.
Comment: This variant is classified as benign based on ACMG/AMP sequence variant interpretation guidelines (Richards et al. 2015 PMID: 25741868, with internal and published modifications).

NM_001375765.1(GIGYF1):c.3056-8G>T

Gene: GIGYF1 (GRB10 interacting GYF protein 1; minus strand). Cytogenetic location: 7q22.1.
Variant type: single nucleotide variant.
Coding change: c.3056-8G>T on transcript NM_001375765.1 (MANE Select); 8 bases into the intron before coding-DNA position 3056, G replaced by T.
Molecular consequence: intron variant. On other transcripts: missense variant (8), non-coding transcript variant (1).
Genome position (GRCh38, 1-based): chr7:100,681,779, C>A on the plus strand (G>T on the coding strand, the complement: GIGYF1 is on the minus strand). VCF-style: chr7-100681779-C-A. GRCh37 (hg19) VCF-style: chr7-100279402-C-A.
Other names: NM_022574.4:c.3056-8G>T; c.3140G>T, p.Arg1047Leu (NM_001375759.1, NM_001375760.1, NM_001375761.1 and 3 more transcripts); c.3065G>T, p.Arg1022Leu (NM_001375767.1); c.3062G>T, p.Arg1021Leu (NM_001375768.1); c.3056-8G>T (NM_001375766.1); short protein forms R1021L, R1022L, R1047L.
Identifiers: ClinVar variation 3040354 (VCV003040354.2), dbSNP rs116169359, ClinGen allele CA4387835.